The following is an entry in ClinVar:

ClinVar aggregate classification (germline): Likely benign. Review status: criteria provided, multiple submitters, no conflicts (2 of 4 stars). 2 submissions from 2 submitters: Likely benign (2). Last evaluated 2026-03-01.

Conditions:
Landau-Kleffner syndrome (FESD). Also called: APHASIA, ACQUIRED, WITH EPILEPSY; EPILEPSY, FOCAL, WITH SPEECH DISORDER AND WITH OR WITHOUT MENTAL RETARDATION. Identifiers: Orphanet 1945, Orphanet 725, Orphanet 98818, MedGen C0282512, MONDO:0009509, OMIM 245570.

Allele frequency attached by ClinVar (database versions not stated): gnomAD exomes below 0.00001.
gnomAD v4.1: 1 of 1,613,712 alleles (0.000062%); highest among the groups gnomAD compares: Admixed American, 0.0017%; no homozygotes.

Submissions (2):

CeGaT Center for Human Genetics Tuebingen
Classification: Likely benign. Last evaluated: 2026-03-01. Review status: criteria provided, single submitter. Criteria: CeGaT Center For Human Genetics Tuebingen Variant Classification Criteria Version 2. Collection method: clinical testing. Allele origin: germline. Affected: yes. Observed: 1 variant allele.
Comment: GRIN2A: BP4, BP7

Labcorp Genetics (formerly Invitae), Labcorp
Classification: Likely benign for Landau-Kleffner syndrome. Last evaluated: 2025-05-22. Review status: criteria provided, single submitter. Criteria: Invitae Variant Classification Sherloc (09022015). Collection method: clinical testing. Allele origin: germline.

NM_001134407.3(GRIN2A):c.2355T>C (p.Asp785=)

Gene: GRIN2A (glutamate ionotropic receptor NMDA type subunit 2A; minus strand). Cytogenetic location: 16p13.2.
Variant type: single nucleotide variant.
Coding change: c.2355T>C on transcript NM_001134407.3 (MANE Select); coding-DNA position 2355, T replaced by C.
Protein change: p.Asp785=; no amino-acid change (aspartic acid 785 retained).
Molecular consequence: synonymous variant.
Genome position (GRCh38, 1-based): chr16:9,798,278, A>G on the plus strand (T>C on the coding strand, the complement: GRIN2A is on the minus strand). VCF-style: chr16-9798278-A-G. GRCh37 (hg19) VCF-style: chr16-9892135-A-G.
Other names: c.2355T>C, p.Asp785= (NM_000833.5, NM_001134408.2).
Identifiers: ClinVar variation 1018777 (VCV001018777.13), dbSNP rs1903125192, ClinGen allele CA493680593.